The following is an entry in ClinVar:

ClinVar aggregate classification (germline): Uncertain significance. Review status: criteria provided, multiple submitters, no conflicts (2 of 4 stars). 2 submissions from 2 submitters: Uncertain significance (2). Last evaluated 2024-11-03.

Conditions:
Inborn genetic diseases. Identifiers: MedGen C0950123, MeSH D030342.

Allele frequency attached by ClinVar (database versions not stated): gnomAD exomes below 0.00001; ExAC 0.00001; gnomAD 0.00001.
gnomAD v4.1: 5 of 1,486,384 alleles (0.00034%); highest among the groups gnomAD compares: Admixed American, 0.0017%; no homozygotes.

Submissions (2):

Labcorp Genetics (formerly Invitae), Labcorp
Classification: Uncertain significance. Last evaluated: 2024-11-03. Review status: criteria provided, single submitter. Criteria: Invitae Variant Classification Sherloc (09022015). Collection method: clinical testing. Allele origin: germline.
Comment: This sequence change replaces arginine, which is basic and polar, with glutamine, which is neutral and polar, at codon 269 of the HACE1 protein (p.Arg269Gln). The frequency data for this variant in the population databases is considered unreliable, as metrics indicate poor data quality at this position in the gnomAD database. This variant has not been reported in the literature in individuals affected with HACE1-related conditions. ClinVar contains an entry for this variant (Variation ID: 2231477). Invitae Evidence Modeling of protein sequence and biophysical properties (such as structural, functional, and spatial information, amino acid conservation, physicochemical variation, residue mobility, and thermodynamic stability) indicates that this missense variant is not expected to disrupt HACE1 protein function with a negative predictive value of 80%. In summary, the available evidence is currently insufficient to determine the role of this variant in disease. Therefore, it has been classified as a Variant of Uncertain Significance.

Ambry Genetics
Classification: Uncertain significance for Inborn genetic diseases. Last evaluated: 2021-06-02. Review status: criteria provided, single submitter. Criteria: Ambry Variant Classification Scheme 2023. Collection method: clinical testing. Allele origin: germline.

NM_020771.4(HACE1):c.806G>A (p.Arg269Gln)

Gene: HACE1 (HECT domain and ankyrin repeat containing E3 ubiquitin protein ligase 1; minus strand). Cytogenetic location: 6q16.3.
Variant type: single nucleotide variant.
Coding change: c.806G>A on transcript NM_020771.4 (MANE Select); coding-DNA position 806, G replaced by A.
Protein change: p.Arg269Gln; replaces arginine 269 with glutamine.
Molecular consequence: missense variant. On other transcripts: non-coding transcript variant (7).
Genome position (GRCh38, 1-based): chr6:104,796,665, C>T on the plus strand (G>A on the coding strand, the complement: HACE1 is on the minus strand). VCF-style: chr6-104796665-C-T. GRCh37 (hg19) VCF-style: chr6-105244540-C-T.
Other names: c.674G>A, p.Arg225Gln (NM_001321080.2); c.704G>A, p.Arg235Gln (NM_001321083.2); c.302G>A, p.Arg101Gln (NM_001321084.2, NM_001350557.2, NM_001350558.2); c.572G>A, p.Arg191Gln (NM_001350554.2); c.515G>A, p.Arg172Gln (NM_001350555.2); c.320G>A, p.Arg107Gln (NM_001350556.2); c.224G>A, p.Arg75Gln (NM_001350559.2); c.23G>A, p.Arg8Gln (NM_001350560.2); short protein forms R225Q, R101Q, R191Q, R235Q, R269Q, R107Q, R172Q, R75Q.
Identifiers: ClinVar variation 2231477 (VCV002231477.4), dbSNP rs778943809, ClinGen allele CA3940431.